The following is an entry in ClinVar:

ClinVar aggregate classification (germline): Uncertain significance (1 of 4 stars; one submission).

Conditions:
LAMB2-related infantile-onset nephrotic syndrome. Also called: Nephrotic Syndrome, type 5; NEPHROTIC SYNDROME, TYPE 5, WITHOUT OCULAR ABNORMALITIES; NEPHROTIC SYNDROME, TYPE 5, WITH OCULAR ABNORMALITIES. Identifiers: Orphanet 306507, MedGen C3280113, MONDO:0013621, OMIM 614199.
Pierson syndrome. Also called: MICROCORIA-CONGENITAL NEPHROTIC SYNDROME. Identifiers: Orphanet 2670, MedGen C1836876, MONDO:0012184, OMIM 609049.

Submission:

Labcorp Genetics (formerly Invitae), Labcorp
Classification: Uncertain significance for LAMB2-related infantile-onset nephrotic syndrome; Pierson syndrome. Last evaluated: 2022-04-15. Review status: criteria provided, single submitter. Criteria: Invitae Variant Classification Sherloc (09022015). Collection method: clinical testing. Allele origin: germline.
Comment: This sequence change replaces glutamine, which is neutral and polar, with proline, which is neutral and non-polar, at codon 741 of the LAMB2 protein (p.Gln741Pro). This variant is not present in population databases (gnomAD no frequency). This variant has not been reported in the literature in individuals affected with LAMB2-related conditions. Algorithms developed to predict the effect of missense changes on protein structure and function are either unavailable or do not agree on the potential impact of this missense change (SIFT: "Deleterious"; PolyPhen-2: "Benign"; Align-GVGD: "Class C15"). In summary, the available evidence is currently insufficient to determine the role of this variant in disease. Therefore, it has been classified as a Variant of Uncertain Significance.

NM_002292.4(LAMB2):c.2222A>C (p.Gln741Pro)

Gene: LAMB2 (laminin subunit beta 2; minus strand). Cytogenetic location: 3p21.31.
Variant type: single nucleotide variant.
Coding change: c.2222A>C on transcript NM_002292.4 (MANE Select); coding-DNA position 2222, A replaced by C.
Protein change: p.Gln741Pro; replaces glutamine 741 with proline.
Molecular consequence: missense variant.
Genome position (GRCh38, 1-based): chr3:49,126,089, T>G on the plus strand (A>C on the coding strand, the complement: LAMB2 is on the minus strand). VCF-style: chr3-49126089-T-G. GRCh37 (hg19) VCF-style: chr3-49163522-T-G.
Other names: short protein forms Q741P.
Identifiers: ClinVar variation 1917284 (VCV001917284.3), dbSNP rs2472544289, ClinGen allele CA352725963.